The following is an entry in ClinVar:

ClinVar aggregate classification (germline): Uncertain significance (1 of 4 stars; one submission).

Conditions:
Charcot-Marie-Tooth disease type 4A. Also called: Charcot-Marie-Tooth disease, demyelinating, autosomal recessive, type 4a. Identifiers: Orphanet 99948, MedGen C1859198, MONDO:0008961, OMIM 214400.

Submission:

Labcorp Genetics (formerly Invitae), Labcorp
Classification: Uncertain significance for Charcot-Marie-Tooth disease type 4A. Last evaluated: 2023-11-02. Review status: criteria provided, single submitter. Criteria: Invitae Variant Classification Sherloc (09022015). Collection method: clinical testing. Allele origin: germline.
Comment: This sequence change replaces threonine, which is neutral and polar, with isoleucine, which is neutral and non-polar, at codon 230 of the GDAP1 protein (p.Thr230Ile). This variant is not present in population databases (gnomAD no frequency). This variant has not been reported in the literature in individuals affected with GDAP1-related conditions. An algorithm developed to predict the effect of missense changes on protein structure and function (PolyPhen-2) suggests that this variant is likely to be disruptive. In summary, the available evidence is currently insufficient to determine the role of this variant in disease. Therefore, it has been classified as a Variant of Uncertain Significance.

NM_018972.4(GDAP1):c.689C>T (p.Thr230Ile)

Gene: GDAP1 (ganglioside induced differentiation associated protein 1; plus strand). Cytogenetic location: 8q21.11.
Variant type: single nucleotide variant.
Coding change: c.689C>T on transcript NM_018972.4 (MANE Select); coding-DNA position 689, C replaced by T.
Protein change: p.Thr230Ile; replaces threonine 230 with isoleucine.
Molecular consequence: missense variant.
Genome position (GRCh38, 1-based): chr8:74,363,048, C>T. VCF-style: chr8-74363048-C-T. GRCh37 (hg19) VCF-style: chr8-75275283-C-T.
Other names: c.485C>T, p.Thr162Ile (NM_001040875.4); c.362C>T, p.Thr121Ile (NM_001362929.2, NM_001362932.2); c.515C>T, p.Thr172Ile (NM_001362930.2); c.689C>T, p.Thr230Ile (NM_001362931.2); short protein forms T230I, T172I, T121I, T162I.
Identifiers: ClinVar variation 2754940 (VCV002754940.3), dbSNP rs1809452126, ClinGen allele CA371549699.